The following is an entry in ClinVar:

ClinVar aggregate classification (germline): Uncertain significance. Review status: criteria provided, multiple submitters, no conflicts (2 of 4 stars). 2 submissions from 2 submitters: Uncertain significance (2). Last evaluated 2025-09-26.

Conditions:
Inborn genetic diseases. Identifiers: MedGen C0950123, MeSH D030342.
3-methylcrotonyl-CoA carboxylase 1 deficiency (MCC1D). Also called: MCCD TYPE 1; METHYLCROTONYLGLYCINURIA TYPE I; MCC 1 deficiency; 3 Alpha methylcrotonylglycinuria 1. Identifiers: Orphanet 6, MedGen CN028786, MONDO:0008861, OMIM 210200.

Allele frequency attached by ClinVar (database versions not stated): gnomAD exomes below 0.00001; TOPMed below 0.00001; gnomAD 0.00001.
gnomAD v4.1: 5 of 1,614,014 alleles (0.00031%); highest among the groups gnomAD compares: South Asian, 0.0011%; no homozygotes.

Submissions (2):

Ambry Genetics
Classification: Uncertain significance for Inborn genetic diseases. Last evaluated: 2025-09-26. Review status: criteria provided, single submitter. Criteria: Ambry Variant Classification Scheme 2023. Collection method: clinical testing. Allele origin: germline.

Labcorp Genetics (formerly Invitae), Labcorp
Classification: Uncertain significance for 3-methylcrotonyl-CoA carboxylase 1 deficiency. Last evaluated: 2021-12-27. Review status: criteria provided, single submitter. Criteria: Invitae Variant Classification Sherloc (09022015). Collection method: clinical testing. Allele origin: germline.
Comment: This sequence change replaces glycine, which is neutral and non-polar, with glutamic acid, which is acidic and polar, at codon 214 of the MCCC1 protein (p.Gly214Glu). This variant is present in population databases (no rsID available, gnomAD 0.0009%). This variant has not been reported in the literature in individuals affected with MCCC1-related conditions. ClinVar contains an entry for this variant (Variation ID: 570355). Algorithms developed to predict the effect of missense changes on protein structure and function (SIFT, PolyPhen-2, Align-GVGD) all suggest that this variant is likely to be disruptive. In summary, the available evidence is currently insufficient to determine the role of this variant in disease. Therefore, it has been classified as a Variant of Uncertain Significance.

NM_020166.5(MCCC1):c.641G>A (p.Gly214Glu)

Gene: MCCC1 (methylcrotonyl-CoA carboxylase subunit 1; minus strand). Cytogenetic location: 3q27.1.
Variant type: single nucleotide variant.
Coding change: c.641G>A on transcript NM_020166.5 (MANE Select); coding-DNA position 641, G replaced by A.
Protein change: p.Gly214Glu; replaces glycine 214 with glutamic acid.
Molecular consequence: missense variant. On other transcripts: non-coding transcript variant (2).
Genome position (GRCh38, 1-based): chr3:183,071,119, C>T on the plus strand (G>A on the coding strand, the complement: MCCC1 is on the minus strand). VCF-style: chr3-183071119-C-T. GRCh37 (hg19) VCF-style: chr3-182788907-C-T.
Other names: c.290G>A, p.Gly97Glu (NM_001293273.2); c.314G>A, p.Gly105Glu (NM_001363880.1); c.641G>A (NM_020166.3); short protein forms G214E, G105E, G97E.
Identifiers: ClinVar variation 570355 (VCV000570355.6), dbSNP rs1248070890, ClinGen allele CA355330141.